The following is an entry in ClinVar:

ClinVar aggregate classification (germline): Conflicting classifications of pathogenicity. Review status: criteria provided, conflicting classifications (1 of 4 stars). 2 submissions from 2 submitters: Uncertain significance (1); Likely benign (1). Last evaluated 2023-03-23.

Conditions:
Hereditary cancer-predisposing syndrome. Also called: Neoplastic Syndromes, Hereditary; Tumor predisposition; Hereditary neoplastic syndrome; Hereditary Cancer Syndrome. Identifiers: Orphanet 140162, MedGen C0027672, MeSH D009386, MONDO:0015356.

gnomAD v4.1: 1 of 1,607,394 alleles (0.000062%); highest among the groups gnomAD compares: South Asian, 0.0011%; no homozygotes.

Submissions (2):

University of Washington Department of Laboratory Medicine, University of Washington
Classification: Likely benign for Hereditary cancer-predisposing syndrome. Last evaluated: 2023-03-23. Review status: criteria provided, single submitter. Criteria: Dines et al. (Genet Med. 2020). Collection method: curation. Allele origin: germline.
Comment: Missense variant in a coldspot region where missense variants are very unlikely to be pathogenic (PMID:31911673).

BRCA2 exon 11 coldspot. Reclassification based on statistical prior probability.

Color Diagnostics, LLC DBA Color Health
Classification: Uncertain significance for Hereditary cancer-predisposing syndrome. Last evaluated: 2019-06-11. Review status: criteria provided, single submitter. Criteria: ACMG Guidelines, 2015. Collection method: clinical testing. Allele origin: germline.

NM_000059.4(BRCA2):c.6293C>G (p.Ser2098Cys)

Gene: BRCA2 (BRCA2 DNA repair associated; plus strand). Cytogenetic location: 13q13.1.
Variant type: single nucleotide variant.
Coding change: c.6293C>G on transcript NM_000059.4 (MANE Select); coding-DNA position 6293, C replaced by G.
Protein change: p.Ser2098Cys; replaces serine 2098 with cysteine.
Molecular consequence: missense variant.
Genome position (GRCh38, 1-based): chr13:32,340,648, C>G. VCF-style: chr13-32340648-C-G. GRCh37 (hg19) VCF-style: chr13-32914785-C-G.
Other names: short protein forms S2098C.
Identifiers: ClinVar variation 628520 (VCV000628520.5), dbSNP rs80358867, ClinGen allele CA387789015.
Genomic context (GRCh38, chr13:32,340,648, plus strand): 5'-GAGTGTTAGAGGAATTTGATTTAATCAGAACTGAGCATAGTCTTCACTATTCACCTACGT[C>G]TAGACAAAATGTATCAAAAATACTTCCTCGTGTTGATAAGAGAAACCCAGAGCACTGTGT-3'
Protein context (NP_000050.3, residues 2088-2108): TEHSLHYSPT[Ser2098Cys]RQNVSKILPR